The following is an entry in ClinVar:

ClinVar aggregate classification (germline): Benign (1 of 4 stars; one submission).

Conditions:
RFT1-congenital disorder of glycosylation (CDG1N). Also called: Congenital disorder of glycosylation type In; CDG In; RFT1-CDG. Identifiers: Orphanet 244310, MedGen C2677590, MONDO:0012783, OMIM 612015.

Allele frequency attached by ClinVar (database versions not stated): gnomAD exomes 0.00187; TOPMed 0.02942; 1000 Genomes Project 30x 0.03107; gnomAD 0.02786; 1000 Genomes Project 0.02915.
gnomAD v4.1: 3,909 of 152,848 alleles (2.6%); highest among the groups gnomAD compares: African/African-American, 8.6%; 172 homozygotes.

Submission:

Illumina Laboratory Services, Illumina
Classification: Benign for RFT1-congenital disorder of glycosylation. Last evaluated: 2018-01-13. Review status: criteria provided, single submitter. Criteria: ICSL Variant Classification Criteria 13 December 2019. Collection method: clinical testing. Allele origin: germline.
Comment: This variant was observed in the ICSL laboratory as part of a predisposition screen in an ostensibly healthy population. It had not been previously curated by ICSL or reported in the Human Gene Mutation Database (HGMD: prior to June 1st, 2018), and was therefore a candidate for classification through an automated scoring system. Utilizing variant allele frequency, disease prevalence and penetrance estimates, and inheritance mode, an automated score was calculated to assess if this variant is too frequent to cause the disease. Based on the score and internal cut-off values, a variant classified as benign is not then subjected to further curation. The score for this variant resulted in a classification of benign for this disease.

NM_052859.4(RFT1):c.*1975C>T

Gene: RFT1 (RFT1 glycolipid translocator homolog; minus strand). Cytogenetic location: 3p21.1.
Variant type: single nucleotide variant.
Coding change: c.*1975C>T on transcript NM_052859.4 (MANE Select); 1975 bases downstream of the stop codon, C replaced by T.
Molecular consequence: 3 prime UTR variant.
Genome position (GRCh38, 1-based): chr3:53,089,928, G>A on the plus strand (C>T on the coding strand, the complement: RFT1 is on the minus strand). VCF-style: chr3-53089928-G-A. GRCh37 (hg19) VCF-style: chr3-53123944-G-A.
Identifiers: ClinVar variation 346160 (VCV000346160.5), dbSNP rs75112182, ClinGen allele CA10616421.